The following is an entry in ClinVar:

NM_004176.5(SREBF1):c.925G>A (p.Ala309Thr)

Gene: SREBF1 (sterol regulatory element binding transcription factor 1; minus strand). Cytogenetic location: 17p11.2.
Variant type: single nucleotide variant.
Coding change: c.925G>A on transcript NM_004176.5 (MANE Select); coding-DNA position 925, G replaced by A.
Protein change: p.Ala309Thr; replaces alanine 309 with threonine.
Molecular consequence: missense variant. On other transcripts: non-coding transcript variant (4), intron variant (1).
Genome position (GRCh38, 1-based): chr17:17,819,156, C>T on the plus strand (G>A on the coding strand, the complement: SREBF1 is on the minus strand). VCF-style: chr17-17819156-C-T. GRCh37 (hg19) VCF-style: chr17-17722470-C-T.
Other names: c.1015G>A, p.Ala339Thr (NM_001005291.3); c.853G>A, p.Ala285Thr (NM_001321096.3); c.925G>A, p.Ala309Thr (NM_001388385.1, NM_001388386.1, NM_001388387.1 and 4 more transcripts); c.919G>A, p.Ala307Thr (NM_001388389.1); c.493G>A, p.Ala165Thr (NM_001388394.1); c.846+164G>A (NM_001388392.1); short protein forms A165T, A285T, A307T, A309T, A339T.
Identifiers: ClinVar variation 4681395 (VCV004681395.5).

ClinVar aggregate classification (germline): Likely benign (1 of 4 stars; one submission).

gnomAD v4.1: 1,167 of 1,614,168 alleles (0.072%); highest among the groups gnomAD compares: African/African-American, 1.4%; 9 homozygotes.

Submission:

CeGaT Center for Human Genetics Tuebingen
Classification: Likely benign. Last evaluated: 2025-11-01. Review status: criteria provided, single submitter. Criteria: CeGaT Center For Human Genetics Tuebingen Variant Classification Criteria Version 2. Collection method: clinical testing. Allele origin: germline. Affected: yes. Observed: 1 variant allele.
Comment: SREBF1: BP4, BS1